The following is an entry in ClinVar:

NM_001009944.3(PKD1):c.7789C>G (p.Pro2597Ala)

Gene: PKD1 (polycystin 1, transient receptor potential channel interacting; minus strand). Cytogenetic location: 16p13.3.
Variant type: single nucleotide variant.
Coding change: c.7789C>G on transcript NM_001009944.3 (MANE Select); coding-DNA position 7789, C replaced by G.
Protein change: p.Pro2597Ala; replaces proline 2597 with alanine.
Molecular consequence: missense variant.
Genome position (GRCh38, 1-based): chr16:2,105,939, G>C on the plus strand (C>G on the coding strand, the complement: PKD1 is on the minus strand). VCF-style: chr16-2105939-G-C. GRCh37 (hg19) VCF-style: chr16-2155940-G-C.
Other names: c.7789C>G, p.Pro2597Ala (NM_000296.4); c.7789C>G (NM_000296.3); short protein forms P2597A.
Identifiers: ClinVar variation 3352518 (VCV003352518.2).

ClinVar aggregate classification (germline): Likely benign. Review status: criteria provided, single submitter (1 of 4 stars). 2 submissions from 2 submitters: Likely benign (1). 1 of the submissions does not count toward it. Last evaluated 2025-07-04.

Conditions:
Inborn genetic diseases. Identifiers: MedGen C0950123, MeSH D030342.
PKD1-related disorder. Also called: PKD1-related condition.

gnomAD v4.1: 161 of 1,598,388 alleles (0.01%); highest among the groups gnomAD compares: African/African-American, 0.19%; no homozygotes.

Submissions (2):

Ambry Genetics
Classification: Likely benign for Inborn genetic diseases. Last evaluated: 2025-07-04. Review status: criteria provided, single submitter. Criteria: Ambry Variant Classification Scheme 2023. Collection method: clinical testing. Allele origin: germline.

PreventionGenetics, part of Exact Sciences
Classification: Likely benign for PKD1-related condition. Last evaluated: 2024-03-20. Review status: no assertion criteria provided. Collection method: clinical testing. Allele origin: germline. Not counted in ClinVar's aggregate classification.
Comment: This variant is classified as likely benign based on ACMG/AMP sequence variant interpretation guidelines (Richards et al. 2015 PMID: 25741868, with internal and published modifications).